The following is an entry in ClinVar:

ClinVar aggregate classification (germline): Uncertain significance (1 of 4 stars; one submission).

Allele frequency attached by ClinVar (database versions not stated): ExAC 0.00001.

Submission:

GeneDx
Classification: Uncertain significance. Last evaluated: 2022-12-02. Review status: criteria provided, single submitter. Criteria: GeneDx Variant Classification Process June 2021. Collection method: clinical testing. Allele origin: germline. Affected: yes.
Comment: In silico analysis supports that this missense variant has a deleterious effect on protein structure/function; Has not been previously published as pathogenic or benign to our knowledge

NM_138927.4(SON):c.2819A>T (p.Asp940Val)

Gene: SON (SON DNA and RNA binding protein; plus strand). Cytogenetic location: 21q22.11.
Variant type: single nucleotide variant.
Coding change: c.2819A>T on transcript NM_138927.4 (MANE Select); coding-DNA position 2819, A replaced by T.
Protein change: p.Asp940Val; replaces aspartic acid 940 with valine.
Molecular consequence: missense variant. On other transcripts: non-coding transcript variant (1), intron variant (1).
Genome position (GRCh38, 1-based): chr21:33,552,050, A>T. VCF-style: chr21-33552050-A-T. GRCh37 (hg19) VCF-style: chr21-34924356-A-T.
Other names: c.2819A>T, p.Asp940Val (NM_001291411.2, NM_001412133.1, NM_032195.3 and 2 more transcripts); c.245-5106A>T (NM_001291412.3); short protein forms D940V.
Identifiers: ClinVar variation 2504448 (VCV002504448.1), dbSNP rs775303990, ClinGen allele CA10009175.